The following is an entry in ClinVar:

NM_006662.3(SRCAP):c.1135-2A>G

Gene: SRCAP (Snf2 related CREBBP activator protein; plus strand). Cytogenetic location: 16p11.2.
Variant type: single nucleotide variant.
Coding change: c.1135-2A>G on transcript NM_006662.3 (MANE Select); the canonical splice acceptor site of the intron before coding-DNA position 1135, A replaced by G.
Molecular consequence: splice acceptor variant.
Genome position (GRCh38, 1-based): chr16:30,710,752, A>G. VCF-style: chr16-30710752-A-G. GRCh37 (hg19) VCF-style: chr16-30722073-A-G.
Identifiers: ClinVar variation 2436491 (VCV002436491.8), dbSNP rs149689808, ClinGen allele CA8010888.

ClinVar aggregate classification (germline): Conflicting classifications of pathogenicity. Review status: criteria provided, conflicting classifications (1 of 4 stars). 4 submissions from 4 submitters: Likely pathogenic (1); Uncertain significance (3). Last evaluated 2025-09-09.

Conditions:
Developmental delay, hypotonia, musculoskeletal defects, and behavioral abnormalities. Identifiers: MedGen C5562012, MONDO:0859202, OMIM 619595.
Floating-Harbor syndrome (FLHS). Also called: SRCAP-Related Floating-Harbor Syndrome; Short stature with delayed bone age, expressive language delay, a triangular face with a prominent nose and deep-set eyes; Pelletier-Leisti syndrome. Identifiers: Orphanet 2044, MedGen C0729582, MONDO:0007621, OMIM 136140.

Allele frequency attached by ClinVar (database versions not stated): ExAC 0.00002; TOPMed 0.00007; gnomAD 0.00008; ESP Exome Variant Server 0.00015.
gnomAD v4.1: 23 of 1,614,066 alleles (0.0014%); highest among the groups gnomAD compares: African/African-American, 0.025%; no homozygotes.

Submissions (4):

GeneDx
Classification: Uncertain significance. Last evaluated: 2025-09-09. Review status: criteria provided, single submitter. Criteria: GeneDx Variant Classification Process June 2021. Collection method: clinical testing. Allele origin: germline. Affected: yes.
Comment: Canonical splice site variant predicted to result in a null allele in a gene for which loss of function is a known mechanism of disease; Has not been previously published as pathogenic or benign to our knowledge

Fulgent Genetics
Classification: Uncertain significance for Floating-Harbor syndrome; Developmental delay, hypotonia, musculoskeletal defects, and behavioral abnormalities. Last evaluated: 2024-05-20. Review status: criteria provided, single submitter. Criteria: ACMG Guidelines, 2015. Collection method: clinical testing. Allele origin: germline.

Labcorp Genetics (formerly Invitae), Labcorp
Classification: Likely pathogenic. Last evaluated: 2022-12-24. Review status: criteria provided, single submitter. Criteria: Invitae Variant Classification Sherloc (09022015). Collection method: clinical testing. Allele origin: germline.
Comment: This sequence change affects an acceptor splice site in intron 8 of the SRCAP gene. It is expected to disrupt RNA splicing. Variants that disrupt the donor or acceptor splice site typically lead to a loss of protein function (PMID: 16199547), and loss-of-function variants in SRCAP are known to be pathogenic (PMID: 33909990). This variant is present in population databases (rs149689808, gnomAD 0.02%). This variant has not been reported in the literature in individuals affected with SRCAP-related conditions. Algorithms developed to predict the effect of sequence changes on RNA splicing suggest that this variant may disrupt the consensus splice site. In summary, the currently available evidence indicates that the variant is pathogenic, but additional data are needed to prove that conclusively. Therefore, this variant has been classified as Likely Pathogenic.

Revvity Omics, Revvity
Classification: Uncertain significance. Last evaluated: 2019-09-28. Review status: criteria provided, single submitter. Criteria: ACMG Guidelines, 2015. Collection method: clinical testing. Allele origin: germline.

Literature cited by the submitters: PubMed 16199547 (cited by Labcorp Genetics (formerly Invitae), Labcorp); PubMed 33909990 (cited by Labcorp Genetics (formerly Invitae), Labcorp).